The following is an entry in ClinVar:

ClinVar aggregate classification (germline): Uncertain significance (1 of 4 stars; one submission).

Conditions:
Wilms tumor 1 (WT1). Also called: Wilms tumor, somatic. Identifiers: Orphanet 654, MedGen CN033288, MONDO:0008679, OMIM 194070.

Submission:

Labcorp Genetics (formerly Invitae), Labcorp
Classification: Uncertain significance for Wilms tumor 1. Last evaluated: 2024-01-08. Review status: criteria provided, single submitter. Criteria: Invitae Variant Classification Sherloc (09022015). Collection method: clinical testing. Allele origin: germline.
Comment: This variant results in a copy number gain of the genomic region encompassing exon(s) 1-2 of the GPC3 gene. This region includes the initiator codon of the gene. This copy number gain extends beyond the assayed region for this gene and therefore may encompass additional genes. As the precise location of this event is unknown, it may be in tandem or it may be located elsewhere in the genome. This variant has not been reported in the literature in individuals affected with GPC3-related conditions. In summary, the available evidence is currently insufficient to determine the role of this variant in disease. Therefore, it has been classified as a Variant of Uncertain Significance.

NC_000023.11:g.(?_133953040)_(133985449_?)dup

Gene: GPC3 (glypican 3; minus strand). Cytogenetic location: Xq26.2.
Variant type: Duplication.
Identifiers: ClinVar variation 831617 (VCV000831617.11).